The following is an entry in ClinVar:

NM_181523.3(PIK3R1):c.278G>A (p.Arg93Gln)

Gene: PIK3R1 (phosphoinositide-3-kinase regulatory subunit 1; plus strand). Cytogenetic location: 5q13.1.
Variant type: single nucleotide variant.
Coding change: c.278G>A on transcript NM_181523.3 (MANE Select); coding-DNA position 278, G replaced by A.
Protein change: p.Arg93Gln; replaces arginine 93 with glutamine.
Molecular consequence: missense variant.
Genome position (GRCh38, 1-based): chr5:68,226,953, G>A. VCF-style: chr5-68226953-G-A. GRCh37 (hg19) VCF-style: chr5-67522781-G-A.
Other names: short protein forms R93Q.
Identifiers: ClinVar variation 1020344 (VCV001020344.9), dbSNP rs765266397, ClinGen allele CA3289961.

ClinVar aggregate classification (germline): Uncertain significance (1 of 4 stars; one submission).

Conditions:
Immunodeficiency 36 with lymphoproliferation. Also called: ACTIVATED PI3K-DELTA SYNDROME 2; Activated PI3K Delta Syndrome Type 2 (APDS2); Immunodeficiency 36. Identifiers: Orphanet 397596, Orphanet 693681, MedGen C4014934, MONDO:0014453, OMIM 616005.
Agammaglobulinemia 7, autosomal recessive (AGM7). Also called: AGAMMAGLOBULINEMIA, AUTOSOMAL RECESSIVE, DUE TO PIK3R1 DEFECT. Identifiers: MedGen C3554689, MONDO:0014083, OMIM 615214.
SHORT syndrome. Also called: SHORT STATURE, HYPEREXTENSIBILITY, HERNIA, OCULAR DEPRESSION, RIEGER ANOMALY, AND TEETHING DELAY; PIK3R1-Related SHORT Syndrome; LIPODYSTROPHY, PARTIAL, WITH RIEGER ANOMALY AND SHORT STATURE. Identifiers: Orphanet 3163, MedGen C0878684, MONDO:0010026, OMIM 269880.

Allele frequency attached by ClinVar (database versions not stated): gnomAD exomes below 0.00001 and 0.00001; TOPMed below 0.00001; ExAC 0.00001.
gnomAD v4.1: 12 of 1,613,986 alleles (0.00074%); highest among the groups gnomAD compares: Non-Finnish European, 0.001%; no homozygotes.

Submission:

Labcorp Genetics (formerly Invitae), Labcorp
Classification: Uncertain significance for SHORT syndrome; Immunodeficiency 36 with lymphoproliferation; Agammaglobulinemia 7, autosomal recessive. Last evaluated: 2024-11-27. Review status: criteria provided, single submitter. Criteria: Invitae Variant Classification Sherloc (09022015). Collection method: clinical testing. Allele origin: germline.
Comment: This sequence change replaces arginine, which is basic and polar, with glutamine, which is neutral and polar, at codon 93 of the PIK3R1 protein (p.Arg93Gln). This variant is present in population databases (rs765266397, gnomAD 0.002%). This variant has not been reported in the literature in individuals affected with PIK3R1-related conditions. ClinVar contains an entry for this variant (Variation ID: 1020344). An algorithm developed to predict the effect of missense changes on protein structure and function (PolyPhen-2) suggests that this variant is likely to be disruptive. In summary, the available evidence is currently insufficient to determine the role of this variant in disease. Therefore, it has been classified as a Variant of Uncertain Significance.